The following is an entry in ClinVar:

NM_139281.3(WDR36):c.896A>G (p.Asn299Ser)

Gene: WDR36 (WD repeat domain 36; plus strand). Cytogenetic location: 5q22.1.
Variant type: single nucleotide variant.
Coding change: c.896A>G on transcript NM_139281.3 (MANE Select); coding-DNA position 896, A replaced by G.
Protein change: p.Asn299Ser; replaces asparagine 299 with serine.
Molecular consequence: missense variant.
Genome position (GRCh38, 1-based): chr5:111,104,342, A>G. VCF-style: chr5-111104342-A-G. GRCh37 (hg19) VCF-style: chr5-110440041-A-G.
Other names: N355S; short protein forms N299S.
Identifiers: ClinVar variation 1581 (VCV000001581.6), dbSNP rs118204022, ClinGen allele CA115072.

ClinVar aggregate classification (germline): Conflicting classifications of pathogenicity. Review status: criteria provided, conflicting classifications (1 of 4 stars). 5 submissions from 5 submitters: Likely pathogenic (1); Uncertain significance (3). 1 of the submissions does not count toward it. Last evaluated 2022-03-21.

Conditions:
Glaucoma 1, open angle, G (GLC1G). Identifiers: MedGen C1835933, OMIM 609887, MONDO:0012357.

Allele frequency attached by ClinVar (database versions not stated): gnomAD exomes 0.00024 and 0.00054; ExAC 0.00028; gnomAD 0.00028 and 0.00034; TOPMed 0.00037.
gnomAD v4.1: 827 of 1,611,622 alleles (0.051%); highest among the groups gnomAD compares: Non-Finnish European, 0.066%; no homozygotes.

Submissions (5):

Fulgent Genetics
Classification: Uncertain significance for Glaucoma 1, open angle, G. Last evaluated: 2022-03-21. Review status: criteria provided, single submitter. Criteria: ACMG Guidelines, 2015. Collection method: clinical testing. Allele origin: unknown.

GeneDx
Classification: Uncertain significance. Last evaluated: 2019-11-08. Review status: criteria provided, single submitter. Criteria: GeneDx Variant Classification Process June 2021. Collection method: clinical testing. Allele origin: germline. Affected: yes.
Comment: Identified in an individual with primary open-angle glaucoma in published literature, but familial segregation data was not included (Monemi et al., 2005); Identified in a patient with congenital corneal opacity and scleralization of the peripheral cornea who also harbored a variant in the MYOC gene; each variant was inherited from a different unaffected parent (Patel et al., 2019); Published functional studies demonstrate that N355S was significantly more potent in promoting thromboxane A2 receptor-mediated G-alpha-q signalling than wild-type WDR36, however, the significance of this result is uncertain (Cartier et al., 2011); In silico analysis, which includes protein predictors and evolutionary conservation, supports a deleterious effect; In-silico splice predictor analysis is inconclusive as to whether the variant alters gene splicing. In the absence of RNA/functional studies, the actual effect of this sequence change is unknown; This variant is associated with the following publications: (PMID: 19150991, 15677485, 21940795, 30653986)

Breakthrough Genomics
Classification: Uncertain significance. Review status: criteria provided, single submitter. Criteria: ACMG Guidelines, 2015. Collection method: not provided. Allele origin: germline. Inheritance: Unknown mechanism. Affected: yes.

Neuberg Centre For Genomic Medicine, NCGM
Classification: Likely pathogenic for Glaucoma 1, open angle, G. Review status: criteria provided, single submitter. Criteria: ACMG Guidelines, 2015. Collection method: clinical testing. Allele origin: germline. Inheritance: Autosomal dominant inheritance. Affected: yes.
Comment: The missense variant p.N299S in WDR36 (NM_139281.3) has been previously reported in affected members of a family in heterozygous state with primary open angle galucoma (Monemi et al). It has been submitted to ClinVar as Pathogenic based on the same family. It is alternatively also called Asn355Ser. The p.N299S missense variant is predicted to be damaging by both SIFT and PolyPhen2. The asparagine residue at codon 299 of WDR36 is conserved in all mammalian species. The nucleotide c.896 in WDR36 is predicted conserved by GERP++ and PhyloP across 100 vertebrates. For these reasons, this variant has been classified as Likely Pathogenic.

OMIM
Classification: Pathogenic for GLAUCOMA 1, OPEN ANGLE, G. Last evaluated: 2005-03-15. Review status: no assertion criteria provided. Collection method: literature only. Allele origin: germline. Not counted in ClinVar's aggregate classification.

Literature cited by the submitters: PubMed 15677485 (cited by OMIM).